The following is an entry in ClinVar:

ClinVar aggregate classification (germline): Uncertain significance (1 of 4 stars; one submission).

gnomAD v4.1: 3 of 1,613,156 alleles (0.00019%); highest among the groups gnomAD compares: Non-Finnish European, 0.00025%; no homozygotes.

Submission:

Women's Health and Genetics/Laboratory Corporation of America, LabCorp
Classification: Uncertain significance. Last evaluated: 2025-02-24. Review status: criteria provided, single submitter. Criteria: LabCorp Variant Classification Summary - May 2015. Collection method: clinical testing. Allele origin: germline.
Comment: Variant summary: SCO2 c.323A>G (p.Asp108Gly) results in a non-conservative amino acid change located in the Thioredoxin domain (IPR013766) of the encoded protein sequence. Five of five in-silico tools predict a damaging effect of the variant on protein function. The variant allele was found at a frequency of 8e-06 in 250336 control chromosomes. The available data on variant occurrences in the general population are insufficient to allow any conclusion about variant significance. c.323A>G has been reported in the literature in one individual affected with unspecified mitochondria disease (Schon_2021). These report(s) do not provide unequivocal conclusions about association of the variant with Cardioencephalomyopathy, fatal infantile, due to cytochrome c oxidase deficiency 1. To our knowledge, no experimental evidence demonstrating an impact on protein function has been reported. The following publication has been ascertained in the context of this evaluation (PMID: 34732400). No submitters have cited clinical-significance assessments for this variant to ClinVar. Based on the evidence outlined above, the variant was classified as uncertain significance.

Literature cited by the submitters: PubMed 34732400.

NM_005138.3(SCO2):c.323A>G (p.Asp108Gly)

Genes: SCO2 (synthesis of cytochrome C oxidase 2; minus strand), NCAPH2 (non-SMC condensin II complex subunit H2; plus strand). Cytogenetic location: 22q13.33.
Variant type: single nucleotide variant.
Coding change: c.323A>G on transcript NM_005138.3 (MANE Select); coding-DNA position 323, A replaced by G.
Protein change: p.Asp108Gly; replaces aspartic acid 108 with glycine.
Molecular consequence: missense variant. On other transcripts: 3 prime UTR variant (2).
Genome position (GRCh38, 1-based): chr22:50,524,089, T>C on the plus strand (A>G on the coding strand, the complement: SCO2 is on the minus strand). VCF-style: chr22-50524089-T-C. GRCh37 (hg19) VCF-style: chr22-50962518-T-C.
Other names: c.*714T>C (NM_001185011.2, NM_152299.4); c.323A>G, p.Asp108Gly (NM_001169109.2, NM_001169110.1, NM_001169111.2); short protein forms D108G.
Identifiers: ClinVar variation 3768855 (VCV003768855.1).